The following is an entry in ClinVar:

NM_016507.4(CDK12):c.227T>C (p.Ile76Thr)

Genes: CDK12 (cyclin dependent kinase 12; plus strand), LOC126862553 (CDK7 strongly-dependent group 2 enhancer GRCh37_chr17:37618166-37619365; plus strand). Cytogenetic location: 17q12.
Variant type: single nucleotide variant.
Coding change: c.227T>C on transcript NM_016507.4 (MANE Select); coding-DNA position 227, T replaced by C.
Protein change: p.Ile76Thr; replaces isoleucine 76 with threonine.
Molecular consequence: missense variant.
Genome position (GRCh38, 1-based): chr17:39,462,298, T>C. VCF-style: chr17-39462298-T-C. GRCh37 (hg19) VCF-style: chr17-37618551-T-C.
Other names: c.227T>C, p.Ile76Thr (NM_015083.4); short protein forms I76T.
Identifiers: ClinVar variation 4224462 (VCV004224462.1).

ClinVar aggregate classification (germline): Uncertain significance (1 of 4 stars; one submission).

gnomAD v4.1: 1 of 1,614,110 alleles (0.000062%); highest among the groups gnomAD compares: Non-Finnish European, 0.000085%; no homozygotes.

Submission:

Ambry Genetics
Classification: Uncertain significance. Last evaluated: 2025-09-10. Review status: criteria provided, single submitter. Criteria: Ambry Variant Classification Scheme 2023. Collection method: clinical testing. Allele origin: germline.
Comment: The p.I76T variant (also known as c.227T>C), located in coding exon 1 of the CDK12 gene, results from a T to C substitution at nucleotide position 227. The isoleucine at codon 76 is replaced by threonine, an amino acid with similar properties. This amino acid position is conserved. In addition, this alteration is predicted to be tolerated by in silico analysis. Based on the available evidence, the clinical significance of this variant remains unclear.